The following is an entry in ClinVar:

ClinVar aggregate classification (germline): Pathogenic (1 of 4 stars; one submission).

Submission:

Labcorp Genetics (formerly Invitae), Labcorp
Classification: Pathogenic. Last evaluated: 2023-07-16. Review status: criteria provided, single submitter. Criteria: Invitae Variant Classification Sherloc (09022015). Collection method: clinical testing. Allele origin: germline.
Comment: This sequence change creates a premature translational stop signal (p.Tyr105*) in the SLC26A4 gene. It is expected to result in an absent or disrupted protein product. Loss-of-function variants in SLC26A4 are known to be pathogenic (PMID: 16283880, 25394566, 26252218, 26445815). For these reasons, this variant has been classified as Pathogenic. This variant has not been reported in the literature in individuals affected with SLC26A4-related conditions. This variant is not present in population databases (gnomAD no frequency).

Literature cited by the submitters: PubMed 16283880; PubMed 25394566; PubMed 26252218; PubMed 26445815.

NM_000441.2(SLC26A4):c.315T>G (p.Tyr105Ter)

Gene: SLC26A4 (solute carrier family 26 member 4; plus strand). Cytogenetic location: 7q22.3.
Variant type: single nucleotide variant.
Coding change: c.315T>G on transcript NM_000441.2 (MANE Select); coding-DNA position 315, T replaced by G.
Protein change: p.Tyr105Ter; replaces tyrosine 105 with a stop codon.
Molecular consequence: nonsense.
Genome position (GRCh38, 1-based): chr7:107,672,148, T>G. VCF-style: chr7-107672148-T-G. GRCh37 (hg19) VCF-style: chr7-107312593-T-G.
Other names: short protein forms Y105*.
Identifiers: ClinVar variation 2743928 (VCV002743928.3), dbSNP rs2535293600, ClinGen allele CA368846933.
Genomic context (GRCh38, chr7:107,672,148, plus strand): 5'-CATACTGTAACTTTGGTTTGTGAATGTAATCACTTTGCATGTGCTTTCAGGGATGGCATA[T>G]GCCCTACTAGCTGCAGTTCCTGTCGGATATGGTCTCTACTCTGCTTTTTTCCCTATCCTG-3'